The following is an entry in ClinVar:

NM_014515.7(CNOT2):c.264G>A (p.Gly88=)

Gene: CNOT2 (CCR4-NOT transcription complex subunit 2; plus strand). Cytogenetic location: 12q15.
Variant type: single nucleotide variant.
Coding change: c.264G>A on transcript NM_014515.7 (MANE Select); coding-DNA position 264, G replaced by A.
Protein change: p.Gly88=; no amino-acid change (glycine 88 retained).
Molecular consequence: synonymous variant. On other transcripts: non-coding transcript variant (1).
Genome position (GRCh38, 1-based): chr12:70,329,448, G>A. VCF-style: chr12-70329448-G-A. GRCh37 (hg19) VCF-style: chr12-70723228-G-A.
Other names: c.264G>A, p.Gly88= (NM_001199302.2, NM_001199303.2, NM_001414651.1 and 2 more transcripts); c.237G>A, p.Gly79= (NM_001414653.1, NM_001414654.1, NM_001414655.1); c.222G>A, p.Gly74= (NM_001414656.1); c.204G>A, p.Gly68= (NM_001414657.1, NM_001414658.1, NM_001414659.1 and 1 more transcripts); c.141G>A, p.Gly47= (NM_001414661.1).
Identifiers: ClinVar variation 4822684 (VCV004822684.4).

ClinVar aggregate classification (germline): Likely benign (1 of 4 stars; one submission).

Submission:

CeGaT Center for Human Genetics Tuebingen
Classification: Likely benign. Last evaluated: 2026-03-01. Review status: criteria provided, single submitter. Criteria: CeGaT Center For Human Genetics Tuebingen Variant Classification Criteria Version 2. Collection method: clinical testing. Allele origin: germline. Affected: yes. Observed: 1 variant allele.
Comment: CNOT2: PM2:Supporting, BP4, BP7